The following is an entry in ClinVar:

NM_004407.4(DMP1):c.1040C>T (p.Ser347Leu)

Genes: DMP1 (dentin matrix acidic phosphoprotein 1; plus strand), DMP1-AS1 (DMP1 and DSPP antisense RNA 1; minus strand). Cytogenetic location: 4q22.1.
Variant type: single nucleotide variant.
Coding change: c.1040C>T on transcript NM_004407.4 (MANE Select); coding-DNA position 1040, C replaced by T.
Protein change: p.Ser347Leu; replaces serine 347 with leucine.
Molecular consequence: missense variant.
Genome position (GRCh38, 1-based): chr4:87,662,818, C>T. VCF-style: chr4-87662818-C-T. GRCh37 (hg19) VCF-style: chr4-88583970-C-T.
Other names: c.992C>T, p.Ser331Leu (NM_001079911.3); c.1040C>T (NM_004407.3); short protein forms S331L, S347L.
Identifiers: ClinVar variation 2150686 (VCV002150686.3), dbSNP rs368389439, ClinGen allele CA3002127.

ClinVar aggregate classification (germline): Conflicting classifications of pathogenicity. Review status: criteria provided, conflicting classifications (1 of 4 stars). 3 submissions from 3 submitters: Uncertain significance (2); Likely benign (1). Last evaluated 2024-12-19.

Conditions:
DMP1-related disorder. Also called: DMP1-related condition.
Hypophosphatemic rickets, autosomal recessive, 1 (ARHR1). Also called: HYPOPHOSPHATEMIA, AUTOSOMAL RECESSIVE. Identifiers: Orphanet 289176, MedGen C4551495, MONDO:0009430, OMIM 241520. Disease mechanism: loss of function.

Allele frequency attached by ClinVar (database versions not stated): gnomAD exomes 0.00002; gnomAD 0.00003; TOPMed 0.00005; ExAC 0.00012.
gnomAD v4.1: 26 of 1,612,472 alleles (0.0016%); highest among the groups gnomAD compares: East Asian, 0.051%; no homozygotes.

Submissions (3):

PreventionGenetics, part of Exact Sciences
Classification: Likely benign for DMP1-related condition. Last evaluated: 2024-12-19. Review status: criteria provided, single submitter. Criteria: ACMG Guidelines, 2015. Collection method: clinical testing. Allele origin: germline.
Comment: This variant is classified as likely benign based on ACMG/AMP sequence variant interpretation guidelines (Richards et al. 2015 PMID: 25741868, with internal and published modifications).

Labcorp Genetics (formerly Invitae), Labcorp
Classification: Uncertain significance. Last evaluated: 2022-08-13. Review status: criteria provided, single submitter. Criteria: Invitae Variant Classification Sherloc (09022015). Collection method: clinical testing. Allele origin: germline.
Comment: This sequence change replaces serine, which is neutral and polar, with leucine, which is neutral and non-polar, at codon 347 of the DMP1 protein (p.Ser347Leu). This variant is present in population databases (rs368389439, gnomAD 0.2%). This variant has not been reported in the literature in individuals affected with DMP1-related conditions. Algorithms developed to predict the effect of missense changes on protein structure and function are either unavailable or do not agree on the potential impact of this missense change (SIFT: "Deleterious"; PolyPhen-2: "Benign"; Align-GVGD: "Class C0"). In summary, the available evidence is currently insufficient to determine the role of this variant in disease. Therefore, it has been classified as a Variant of Uncertain Significance.

Department of Pathology and Laboratory Medicine, Sinai Health System
Classification: Uncertain significance for hypophosphatemic rickets, autosomal recessive, 1. Last evaluated: 2021-12-03. Review status: criteria provided, single submitter. Criteria: ACMG Guidelines, 2015. Collection method: research. Allele origin: germline.